The following is an entry in ClinVar:

NM_181882.3(PRX):c.2548C>G (p.Pro850Ala)

Gene: PRX (periaxin; minus strand). Cytogenetic location: 19q13.2.
Variant type: single nucleotide variant.
Coding change: c.2548C>G on transcript NM_181882.3 (MANE Select); coding-DNA position 2548, C replaced by G.
Protein change: p.Pro850Ala; replaces proline 850 with alanine.
Molecular consequence: missense variant. On other transcripts: 3 prime UTR variant (1).
Genome position (GRCh38, 1-based): chr19:40,395,804, G>C on the plus strand (C>G on the coding strand, the complement: PRX is on the minus strand). VCF-style: chr19-40395804-G-C. GRCh37 (hg19) VCF-style: chr19-40901711-G-C.
Other names: c.*2753C>G (NM_020956.2); short protein forms P850A.
Identifiers: ClinVar variation 410603 (VCV000410603.54), dbSNP rs141686828, ClinGen allele CA9444034.

ClinVar aggregate classification (germline): Conflicting classifications of pathogenicity. Review status: criteria provided, conflicting classifications (1 of 4 stars). 10 submissions from 10 submitters: Uncertain significance (6); Likely benign (4). Last evaluated 2025-11-24.

Conditions:
Inborn genetic diseases. Identifiers: MedGen C0950123, MeSH D030342.
Charcot-Marie-Tooth disease. Also called: Charcot-Marie-Tooth Hereditary Neuropathy; Charcot-Marie-Tooth Neuropathy. Identifiers: Orphanet 166, MedGen C0007959, MONDO:0015626.
Charcot-Marie-Tooth disease type 4. Also called: Charcot-Marie-Tooth, Type 4; Charcot-Marie-Tooth disease, type IV. Identifiers: Orphanet 64749, MedGen C4082197, MONDO:0018995.
Charcot-Marie-Tooth disease type 4F. Also called: Charcot-Marie-Tooth disease, demyelinating, type 4F. Identifiers: Orphanet 99952, MedGen C3540453, MONDO:0013959, OMIM 614895.

Allele frequency attached by ClinVar (database versions not stated): 1000 Genomes Project 0.00020; 1000 Genomes Project 30x 0.00031; ExAC 0.00044; gnomAD exomes 0.00050 and 0.00128; gnomAD 0.00063 and 0.00078; ESP Exome Variant Server 0.00069; TOPMed 0.00089.
gnomAD v4.1: 1,951 of 1,614,148 alleles (0.12%); highest among the groups gnomAD compares: Non-Finnish European, 0.16%; 3 homozygotes.

Submissions (10):

Mayo Clinic Laboratories, Mayo Clinic
Classification: Likely benign. Last evaluated: 2025-11-24. Review status: criteria provided, single submitter. Criteria: ACMG Guidelines, 2015. Collection method: clinical testing. Allele origin: germline. Observed: 5 variant alleles.
Comment: BS2, BP4

GeneDx
Classification: Uncertain significance. Last evaluated: 2025-10-01. Review status: criteria provided, single submitter. Criteria: GeneDx Variant Classification Process June 2021. Collection method: clinical testing. Allele origin: germline. Affected: yes.
Comment: Reported in two individuals with features of CMT1 without indication of a second PRX variant identified (PMID: 26392352); Identified in five individuals with CMT, however information regarding the presence or absence of a second PRX variant was not provided (PMID: 32376792); In silico analysis supports that this missense variant has a deleterious effect on protein structure/function; This variant is associated with the following publications: (PMID: 26392352, 32376792)

CeGaT Center for Human Genetics Tuebingen
Classification: Likely benign. Last evaluated: 2025-09-01. Review status: criteria provided, single submitter. Criteria: CeGaT Center For Human Genetics Tuebingen Variant Classification Criteria Version 2. Collection method: clinical testing. Allele origin: germline. Affected: yes. Observed: 4 variant alleles.
Comment: PRX: BP4

Women's Health and Genetics/Laboratory Corporation of America, LabCorp
Classification: Likely benign. Last evaluated: 2024-11-27. Review status: criteria provided, single submitter. Criteria: LabCorp Variant Classification Summary - May 2015. Collection method: clinical testing. Allele origin: germline.
Comment: Variant summary: PRX c.2548C>G (p.Pro850Ala) results in a non-conservative amino acid change in the encoded protein sequence. Three of five in-silico tools predict a benign effect of the variant on protein function. The variant allele was found at a frequency of 0.0012 in 1614148 control chromosomes in the gnomAD database, including 3 homozygotes. The observed variant frequency is approximately equal to the estimated maximal expected allele frequency for a pathogenic variant in PRX causing Charcot-Marie-Tooth disease type 4F phenotype (0.0011). c.2548C>G has been reported in the literature in cohorts of individuals with clinical features of Charcot-Marie-Tooth disease undergoing multigene panel testing, without strong evidence for causality (e.g. Antoniadi_2015, Volodarsky_2021). These reports do not provide unequivocal conclusions about association of the variant with Charcot-Marie-Tooth disease. To our knowledge, no experimental evidence demonstrating an impact on protein function has been reported. The following publications have been ascertained in the context of this evaluation (PMID: 26392352, 32376792). ClinVar contains an entry for this variant (Variation ID: 410603). Based on the evidence outlined above, the variant was classified as likely benign.

ARUP Laboratories, Molecular Genetics and Genomics, ARUP Laboratories
Classification: Uncertain significance. Last evaluated: 2024-09-30. Review status: criteria provided, single submitter. Criteria: ARUP Molecular Germline Variant Investigation Process 2024. Collection method: clinical testing. Allele origin: germline.
Comment: The PRX c.2548C>G; p.Pro850Ala variant (rs141686828) has been identified in multiple individuals included in cohorts of patients recruited for suspicion of Charcot-Marie-Tooth disease, though additional evidence of causality is not presented (Antoniadi 2015 and Volodarsky 2021). This variant is found in the general population with an overall allele frequency of 0.05% (145/ 282,762 alleles) in the Genome Aggregation Database (v2.1.1). Computational analyses predict that this variant is neutral (REVEL: 0.08). Due to limited information, the clinical significance of this variant is uncertain at this time. References: Antoniadi T et al. Application of targeted multi-gene panel testing for the diagnosis of inherited peripheral neuropathy provides a high diagnostic yield with unexpected phenotype-genotype variability. BMC Med Genet. 2015 Sep 21;16:84. PMID: 26392352 Volodarsky M et al. Comprehensive genetic sequence and copy number analysis for Charcot-Marie-Tooth disease in a Canadian cohort of 2517 patients. J Med Genet. 2021 Apr;58(4):284-288. PMID: 32376792.

Labcorp Genetics (formerly Invitae), Labcorp
Classification: Uncertain significance for Charcot-Marie-Tooth disease type 4. Last evaluated: 2022-10-18. Review status: criteria provided, single submitter. Criteria: Invitae Variant Classification Sherloc (09022015). Collection method: clinical testing. Allele origin: germline.
Comment: This sequence change replaces proline, which is neutral and non-polar, with alanine, which is neutral and non-polar, at codon 850 of the PRX protein (p.Pro850Ala). This variant is present in population databases (rs141686828, gnomAD 0.1%), and has an allele count higher than expected for a pathogenic variant. This missense change has been observed in individual(s) with clinical features of Charcot-Marie-Tooth disease (PMID: 26392352, 32376792). ClinVar contains an entry for this variant (Variation ID: 410603). Advanced modeling of protein sequence and biophysical properties (such as structural, functional, and spatial information, amino acid conservation, physicochemical variation, residue mobility, and thermodynamic stability) performed at Invitae indicates that this missense variant is not expected to disrupt PRX protein function. In summary, the available evidence is currently insufficient to determine the role of this variant in disease. Therefore, it has been classified as a Variant of Uncertain Significance.

Ambry Genetics
Classification: Uncertain significance for Inborn genetic diseases. Last evaluated: 2022-02-11. Review status: criteria provided, single submitter. Criteria: Ambry Variant Classification Scheme 2023. Collection method: clinical testing. Allele origin: germline.

Athena Diagnostics
Classification: Likely benign. Last evaluated: 2021-05-26. Review status: criteria provided, single submitter. Criteria: Athena Diagnostics criteria. Collection method: clinical testing. Allele origin: unknown.

Illumina Laboratory Services, Illumina
Classification: Uncertain significance for Charcot-Marie-Tooth disease type 4F. Last evaluated: 2018-01-13. Review status: criteria provided, single submitter. Criteria: ICSL Variant Classification Criteria 13 December 2019. Collection method: clinical testing. Allele origin: germline.

Molecular Genetics Laboratory, London Health Sciences Centre
Classification: Uncertain significance for Charcot-Marie-Tooth disease. Review status: criteria provided, single submitter. Criteria: ACMG Guidelines, 2015. Collection method: clinical testing. Allele origin: germline. Affected: yes.

Literature cited by the submitters: PubMed 26392352 (cited by 5 submitters); PubMed 32376792 (cited by 3 submitters).